The following is an entry in ClinVar:

ClinVar aggregate classification (germline): Likely pathogenic (1 of 4 stars; one submission).

Conditions:
RNU2-2 related disorder.

Submission:

Institute for Human Genetics, University Hospital Essen
Classification: Likely pathogenic for RNU2-2 related disorder. Last evaluated: 2025-11-27. Review status: criteria provided, single submitter. Criteria: Submitter's publication. Collection method: clinical testing. Allele origin: germline. Inheritance: Autosomal recessive inheritance. Affected: yes. Observed: 1 variant allele, 1 compound heterozygote.
Comment: PS4_mod, PM1_supp, PM2_supp, PM3 (criteria rationale detailed in Leitão et al. Nature Genetics 2026)

NR_199791.1(RNU2-2):n.183G>A

Genes: WDR74 (WD repeat domain 74; minus strand), RNU2-2 (RNA, U2 small nuclear 2; minus strand). Cytogenetic location: 11q12.3.
Variant type: single nucleotide variant.
Molecular consequence: non-coding transcript variant (on NR_199791.1). On other transcripts: 5 prime UTR variant (1).
Genome position: GRCh38 VCF-style: chr11-62841627-C-T. GRCh37 (hg19) VCF-style: chr11-62609099-C-T.
Other names: c.-356G>A (NM_001369451.1).
Identifiers: ClinVar variation 4540547 (VCV004540547.1).